The following is an entry in ClinVar:

NM_000092.5(COL4A4):c.3965G>A (p.Gly1322Asp)

Gene: COL4A4 (collagen type IV alpha 4 chain; minus strand). Cytogenetic location: 2q36.3.
Variant type: single nucleotide variant.
Coding change: c.3965G>A on transcript NM_000092.5 (MANE Select); coding-DNA position 3965, G replaced by A.
Protein change: p.Gly1322Asp; replaces glycine 1322 with aspartic acid.
Molecular consequence: missense variant.
Genome position (GRCh38, 1-based): chr2:227,030,451, C>T on the plus strand (G>A on the coding strand, the complement: COL4A4 is on the minus strand). VCF-style: chr2-227030451-C-T. GRCh37 (hg19) VCF-style: chr2-227895167-C-T.
Other names: short protein forms G1322D.
Identifiers: ClinVar variation 4817340 (VCV004817340.1).
Genomic context (GRCh38, chr2:227,030,451, plus strand): 5'-GGGTAAGATAACCAAGTTATTCACATATTACTTAACGGAACAACATTCATACCTTTCTGG[C>T]CATCTTTTCCATCACATCCTGGAAAGCCTTTGTATCCTGGAGGGCCTGGTGGGCCAGGGG-3'
Protein context (NP_000083.3, residues 1312-1332): KGFPGCDGKD[Gly1322Asp]QKGPVGFPGP

ClinVar aggregate classification (germline): Likely pathogenic (1 of 4 stars; one submission).

Conditions:
Alport syndrome. Also called: Hemorrhagic familial nephritis; Hemorrhagic hereditary nephritis; Congenital hereditary hematuria. Identifiers: Orphanet 63, MedGen C1567741, MONDO:0018965.

gnomAD v4.1: 2 of 1,614,136 alleles (0.00012%); highest among the groups gnomAD compares: Admixed American, 0.0033%; no homozygotes.

Submission:

Natera, Inc.
Classification: Likely pathogenic for Alport syndrome. Last evaluated: 2025-09-04. Review status: criteria provided, single submitter. Criteria: Natera Variant Classification Schema (03/2026). Collection method: clinical testing. Allele origin: germline.
Comment: The c.3965G>A variant in COL4A4 is a missense variant predicted to cause substitution of glycine to aspartic acid at amino acid 1322. This variant is rare in the general population with a frequency below the threshold expected for the associated phenotype(s). This variant is located in a functionally critical region of the protein. Computational prediction algorithms indicate this variant is likely to affect gene or protein function. Given the available evidence, this variant is classified as Likely Pathogenic.